The following is an entry in ClinVar:

NM_000059.4(BRCA2):c.5652T>C (p.Ile1884=)

Gene: BRCA2 (BRCA2 DNA repair associated; plus strand). Cytogenetic location: 13q13.1.
Variant type: single nucleotide variant.
Coding change: c.5652T>C on transcript NM_000059.4 (MANE Select); coding-DNA position 5652, T replaced by C.
Protein change: p.Ile1884=; no amino-acid change (isoleucine 1884 retained).
Molecular consequence: synonymous variant.
Genome position (GRCh38, 1-based): chr13:32,340,007, T>C. VCF-style: chr13-32340007-T-C. GRCh37 (hg19) VCF-style: chr13-32914144-T-C.
Identifiers: ClinVar variation 187088 (VCV000187088.29), dbSNP rs766067138, ClinGen allele CA022860.

ClinVar aggregate classification (germline): Likely benign. Review status: reviewed by expert panel (3 of 4 stars). 12 submissions from 12 submitters: Likely benign (1). 11 of the submissions do not count toward it. Last evaluated 2017-06-29.

Conditions:
Breast and/or ovarian cancer. Identifiers: MedGen CN221562.
Hereditary cancer-predisposing syndrome. Also called: Tumor predisposition; Neoplastic Syndromes, Hereditary; Hereditary neoplastic syndrome; Hereditary Cancer Syndrome. Identifiers: Orphanet 140162, MedGen C0027672, MeSH D009386, MONDO:0015356.
Hereditary breast ovarian cancer syndrome. Also called: Hereditary breast and ovarian cancer syndrome; Hereditary breast and ovarian cancer syndrome (HBOC); Hereditary breast and ovarian cancer; Breast and ovarian cancer; BRCA1- and BRCA2-Associated Hereditary Breast and Ovarian Cancer; Hereditary breast and/or ovarian cancer syndrome. Identifiers: Orphanet 145, MedGen C0677776, MeSH D061325, MONDO:0003582. Disease mechanism: loss of function.
Breast-ovarian cancer, familial, susceptibility to, 2 (BROVCA2). Also called: BRCA2 Hereditary Breast and Ovarian Cancer. Identifiers: Orphanet 145, MedGen C2675520, MONDO:0012933, OMIM 612555. Disease mechanism: loss of function.
Malignant tumor of breast. Also called: Malignant breast neoplasm; Cancer breast. Identifiers: MedGen C0006142, MONDO:0007254. Disease mechanism: loss of function.

Allele frequency attached by ClinVar (database versions not stated): ExAC 0.00001; gnomAD exomes 0.00001; TOPMed 0.00002.
gnomAD v4.1: 14 of 1,612,730 alleles (0.00087%); highest among the groups gnomAD compares: South Asian, 0.0088%; no homozygotes.

Submissions (12):

Evidence-based Network for the Interpretation of Germline Mutant Alleles (ENIGMA)
Classification: Likely benign for Breast-ovarian cancer, familial, susceptibility to, 2. Last evaluated: 2017-06-29. Review status: reviewed by expert panel. Criteria: ENIGMA BRCA1/2 Classification Criteria (2017-06-29). Collection method: curation. Allele origin: germline.
Comment: Synonymous substitution variant, with low bioinformatic likelihood to result in a splicing aberration (Splicing prior probability 0.02).

Labcorp Genetics (formerly Invitae), Labcorp
Classification: Likely benign for Hereditary breast ovarian cancer syndrome. Last evaluated: 2026-01-05. Review status: criteria provided, single submitter. Criteria: Invitae Variant Classification Sherloc (09022015). Collection method: clinical testing. Allele origin: germline. Not counted in ClinVar's aggregate classification.

ARUP Laboratories, Molecular Genetics and Genomics, ARUP Laboratories
Classification: Likely benign. Last evaluated: 2024-02-05. Review status: criteria provided, single submitter. Criteria: ARUP Molecular Germline Variant Investigation Process 2024. Collection method: clinical testing. Allele origin: germline. Not counted in ClinVar's aggregate classification.

All of Us Research Program, National Institutes of Health
Classification: Likely benign for Breast-ovarian cancer, familial, susceptibility to, 2. Last evaluated: 2024-01-08. Review status: criteria provided, single submitter. Criteria: ACMG Guidelines, 2015. Collection method: clinical testing. Allele origin: germline. Inheritance: Autosomal dominant inheritance. Observed: 3 variant alleles, 3 heterozygotes. Not counted in ClinVar's aggregate classification.
Comment: This study involves interpretation of variants in research participants for the purpose of population health screening. Participant phenotype was not available at the time of variant classification. Additional details can be found in publication PMID: 35346344, PMCID: PMC8962531

Blueprint Genetics
Classification: Likely benign. Last evaluated: 2023-09-28. Review status: criteria provided, single submitter. Criteria: ACMG Guidelines, 2015. Collection method: clinical testing. Allele origin: germline. Not counted in ClinVar's aggregate classification.

CHEO Genetics Diagnostic Laboratory, Children's Hospital of Eastern Ontario
Classification: Likely benign for Breast and/or ovarian cancer. Last evaluated: 2022-09-26. Review status: criteria provided, single submitter. Criteria: ACMG Guidelines, 2015. Collection method: clinical testing. Allele origin: germline. Not counted in ClinVar's aggregate classification.

Quest Diagnostics Nichols Institute San Juan Capistrano
Classification: Likely benign. Last evaluated: 2020-04-02. Review status: criteria provided, single submitter. Criteria: Quest Diagnostics criteria. Collection method: clinical testing. Allele origin: unknown. Not counted in ClinVar's aggregate classification.

Women's Health and Genetics/Laboratory Corporation of America, LabCorp
Classification: Likely benign. Last evaluated: 2019-08-21. Review status: criteria provided, single submitter. Criteria: LabCorp Variant Classification Summary - May 2015. Collection method: clinical testing. Allele origin: germline. Not counted in ClinVar's aggregate classification.

GeneDx
Classification: Likely benign. Last evaluated: 2019-05-03. Review status: criteria provided, single submitter. Criteria: GeneDx Variant Classification Process June 2021. Collection method: clinical testing. Allele origin: germline. Affected: yes. Not counted in ClinVar's aggregate classification.

Color Diagnostics, LLC DBA Color Health
Classification: Likely benign for Hereditary cancer-predisposing syndrome. Last evaluated: 2016-11-04. Review status: criteria provided, single submitter. Criteria: ACMG Guidelines, 2015. Collection method: clinical testing. Allele origin: germline. Not counted in ClinVar's aggregate classification.

Ambry Genetics
Classification: Likely benign for Hereditary cancer-predisposing syndrome. Last evaluated: 2014-11-17. Review status: criteria provided, single submitter. Criteria: Ambry Variant Classification Scheme 2023. Collection method: clinical testing. Allele origin: germline. Not counted in ClinVar's aggregate classification.

Department of Pathology and Laboratory Medicine, Sinai Health System
Classification: Likely benign for Malignant tumor of breast. Review status: no assertion criteria provided. Collection method: clinical testing. Allele origin: unknown. Affected: yes. Study: The Canadian Open Genetics Repository (COGR). Not counted in ClinVar's aggregate classification.
Comment: The p.Ile1884Ile variant has been identified only one time in the UMD database. This variant is not expected to have clinical significance because it does not alter an amino acid residue, and is not located near a splice junction. In summary, the clinical significance of this variant cannot be determined with certainty at this time, although we would lean towards a more benign role for this variant. This variant is classified as Predicted Benign.